The following is an entry in ClinVar:

ClinVar aggregate classification (germline): Uncertain significance. Review status: criteria provided, multiple submitters, no conflicts (2 of 4 stars). 3 submissions from 3 submitters: Uncertain significance (3). Last evaluated 2025-05-15.

Conditions:
Breast-ovarian cancer, familial, susceptibility to, 4. Identifiers: Orphanet 145, MedGen C3280345, MONDO:0013669, OMIM 614291.
Hereditary cancer-predisposing syndrome. Also called: Hereditary neoplastic syndrome; Tumor predisposition; Neoplastic Syndromes, Hereditary; Hereditary Cancer Syndrome. Identifiers: Orphanet 140162, MedGen C0027672, MeSH D009386, MONDO:0015356.

Submissions (3):

Labcorp Genetics (formerly Invitae), Labcorp
Classification: Uncertain significance for Breast-ovarian cancer, familial, susceptibility to, 4. Last evaluated: 2025-05-15. Review status: criteria provided, single submitter. Criteria: Invitae Variant Classification Sherloc (09022015). Collection method: clinical testing. Allele origin: germline.
Comment: This sequence change replaces arginine, which is basic and polar, with glycine, which is neutral and non-polar, at codon 166 of the RAD51D protein (p.Arg166Gly). This variant is not present in population databases (gnomAD no frequency). This variant has not been reported in the literature in individuals affected with RAD51D-related conditions. ClinVar contains an entry for this variant (Variation ID: 418444). Invitae Evidence Modeling of protein sequence and biophysical properties (such as structural, functional, and spatial information, amino acid conservation, physicochemical variation, residue mobility, and thermodynamic stability) indicates that this missense variant is not expected to disrupt RAD51D protein function with a negative predictive value of 80%. In summary, the available evidence is currently insufficient to determine the role of this variant in disease. Therefore, it has been classified as a Variant of Uncertain Significance.

Ambry Genetics
Classification: Uncertain significance for Hereditary cancer-predisposing syndrome. Last evaluated: 2023-07-29. Review status: criteria provided, single submitter. Criteria: Ambry Variant Classification Scheme 2023. Collection method: clinical testing. Allele origin: germline.
Comment: The p.R166G variant (also known as c.496A>G), located in coding exon 6 of the RAD51D gene, results from an A to G substitution at nucleotide position 496. The arginine at codon 166 is replaced by glycine, an amino acid with dissimilar properties. This amino acid position is highly conserved in available vertebrate species. In addition, the in silico prediction for this alteration is inconclusive. Since supporting evidence is limited at this time, the clinical significance of this alteration remains unclear.

GeneDx
Classification: Uncertain significance. Last evaluated: 2015-01-30. Review status: criteria provided, single submitter. Criteria: GeneDx Variant Classification (06012015). Collection method: clinical testing. Allele origin: germline. Affected: yes.
Comment: This variant is denoted RAD51D c.496A>G at the cDNA level, p.Arg166Gly (R166G) at the protein level, and results in the change of an Arginine to a Glycine (AGG>GGG). This variant has not, to our knowledge, been published in the literature as pathogenic or benign. RAD51D Arg166Gly was not observed in approximately 6,500 individuals of European and African American ancestry in the NHLBI Exome Sequencing Project, indicating it is not a common benign variant in these populations. Since Arginine and Glycine differ in polarity, charge, size or other properties, this is considered a non-conservative amino acid substitution. RAD51D Arg166Gly occurs at a position that is highly conserved across species and is located in the ATPase domain (Kim 2011). In silico analyses predict that this variant is probably damaging to protein structure and function. Based on currently available information, it is unclear whether RAD51D Arg166Gly is pathogenic or benign. We consider it to be a variant of uncertain significance.

NM_002878.4(RAD51D):c.496A>G (p.Arg166Gly)

Genes: RAD51D (RAD51 paralog D; minus strand), RAD51L3-RFFL (RAD51L3-RFFL readthrough; minus strand). Cytogenetic location: 17q12.
Variant type: single nucleotide variant.
Coding change: c.496A>G on transcript NM_002878.4 (MANE Select); coding-DNA position 496, A replaced by G.
Protein change: p.Arg166Gly; replaces arginine 166 with glycine.
Molecular consequence: missense variant. On other transcripts: non-coding transcript variant (3).
Genome position (GRCh38, 1-based): chr17:35,106,466, T>C on the plus strand (A>G on the coding strand, the complement: RAD51D is on the minus strand). VCF-style: chr17-35106466-T-C. GRCh37 (hg19) VCF-style: chr17-33433485-T-C.
Other names: c.556A>G, p.Arg186Gly (NM_001142571.2); c.160A>G, p.Arg54Gly (NM_133629.3); short protein forms R166G, R54G, R186G.
Identifiers: ClinVar variation 418444 (VCV000418444.11), dbSNP rs1064793246, ClinGen allele CA16620387.
Genomic context (GRCh38, chr17:35,106,466, plus strand): 5'-GGAGCTCCTGCAGCACATCCAGCATCTGGAAGATGTCAAATGCATGCACCACCTGGATCC[T>C]CCGGAGAGCTTCTGCCTGAAGCGGTGGAAAAGAAAAGCAAGGACTTTGGATAAGAGGGAG-3'
Protein context (NP_002869.3, residues 156-176): DEEEQAEALR[Arg166Gly]IQVVHAFDIF